The following is an entry in ClinVar:

ClinVar aggregate classification (germline): Uncertain significance (1 of 4 stars; one submission).

Conditions:
Vici syndrome (VICIS). Identifiers: Orphanet 1493, MedGen C1855772, MONDO:0009452, OMIM 242840.

gnomAD v4.1: 22 of 1,614,072 alleles (0.0014%); highest among the groups gnomAD compares: African/African-American, 0.028%; no homozygotes.

Submission:

Labcorp Genetics (formerly Invitae), Labcorp
Classification: Uncertain significance for Vici syndrome. Last evaluated: 2022-06-28. Review status: criteria provided, single submitter. Criteria: Invitae Variant Classification Sherloc (09022015). Collection method: clinical testing. Allele origin: germline.
Comment: This sequence change replaces serine, which is neutral and polar, with cysteine, which is neutral and slightly polar, at codon 542 of the EPG5 protein (p.Ser542Cys). This variant is present in population databases (rs754742313, gnomAD 0.03%). This variant has not been reported in the literature in individuals affected with EPG5-related conditions. Algorithms developed to predict the effect of missense changes on protein structure and function are either unavailable or do not agree on the potential impact of this missense change (SIFT: "Deleterious"; PolyPhen-2: "Benign"; Align-GVGD: "Class C0"). In summary, the available evidence is currently insufficient to determine the role of this variant in disease. Therefore, it has been classified as a Variant of Uncertain Significance.

NM_020964.3(EPG5):c.1625C>G (p.Ser542Cys)

Gene: EPG5 (ectopic P-granules 5 autophagy tethering factor; minus strand). Cytogenetic location: 18q21.1.
Variant type: single nucleotide variant.
Coding change: c.1625C>G on transcript NM_020964.3 (MANE Select); coding-DNA position 1625, C replaced by G.
Protein change: p.Ser542Cys; replaces serine 542 with cysteine.
Molecular consequence: missense variant.
Genome position (GRCh38, 1-based): chr18:45,946,715, G>C on the plus strand (C>G on the coding strand, the complement: EPG5 is on the minus strand). VCF-style: chr18-45946715-G-C. GRCh37 (hg19) VCF-style: chr18-43526681-G-C.
Other names: c.1625C>G, p.Ser542Cys (NM_001410858.1, NM_001410859.1); short protein forms S542C.
Identifiers: ClinVar variation 2157254 (VCV002157254.1), dbSNP rs754742313, ClinGen allele CA8949652.